The following is an entry in ClinVar:

ClinVar aggregate classification (germline): Likely benign. Review status: criteria provided, multiple submitters, no conflicts (2 of 4 stars). 6 submissions from 6 submitters: Likely benign (5). 1 of the submissions does not count toward it. Last evaluated 2026-01-05.

Conditions:
BRAF-related disorder. Also called: BRAF-related condition.
Cardiovascular phenotype. Identifiers: MedGen CN230736.
RASopathy. Also called: rasopathies; Noonan spectrum disorder. Identifiers: Orphanet 536391, MedGen C5555857, MONDO:0021060.

Allele frequency attached by ClinVar (database versions not stated): TOPMed 0.00008; gnomAD 0.00009 and 0.00010; gnomAD exomes 0.00009 and 0.00013; ExAC 0.00015; ESP Exome Variant Server 0.00015; 1000 Genomes Project 30x 0.00016; 1000 Genomes Project 0.00020.
gnomAD v4.1: 208 of 1,613,650 alleles (0.013%); highest among the groups gnomAD compares: Non-Finnish European, 0.016%; 1 homozygote.

Submissions (6):

Labcorp Genetics (formerly Invitae), Labcorp
Classification: Likely benign for RASopathy. Last evaluated: 2026-01-05. Review status: criteria provided, single submitter. Criteria: Invitae Variant Classification Sherloc (09022015). Collection method: clinical testing. Allele origin: germline.

Blueprint Genetics
Classification: Likely benign. Last evaluated: 2024-10-02. Review status: criteria provided, single submitter. Criteria: ACMG Guidelines, 2015. Collection method: clinical testing. Allele origin: germline.

Ambry Genetics
Classification: Likely benign for Cardiovascular phenotype. Last evaluated: 2022-11-04. Review status: criteria provided, single submitter. Criteria: Ambry Variant Classification Scheme 2023. Collection method: clinical testing. Allele origin: germline.

GeneDx
Classification: Likely benign. Last evaluated: 2020-05-29. Review status: criteria provided, single submitter. Criteria: GeneDx Variant Classification Process June 2021. Collection method: clinical testing. Allele origin: germline. Affected: yes.

Laboratory for Molecular Medicine, Mass General Brigham Personalized Medicine
Classification: Likely benign. Last evaluated: 2011-07-13. Review status: criteria provided, single submitter. Criteria: LMM Criteria. Collection method: clinical testing. Allele origin: germline. Observed: 1 variant allele.
Comment: Ile544Ile in exon 13 of BRAF: This variant has not been previously reported in t he literature; however, it is not expected to have clinical significance because it does not alter an amino acid residue and is not located near a splice juncti on.

PreventionGenetics, part of Exact Sciences
Classification: Likely benign for BRAF-related condition. Last evaluated: 2020-08-17. Review status: no assertion criteria provided. Collection method: clinical testing. Allele origin: germline. Not counted in ClinVar's aggregate classification.
Comment: This variant is classified as likely benign based on ACMG/AMP sequence variant interpretation guidelines (Richards et al. 2015 PMID: 25741868, with internal and published modifications).

NM_004333.6(BRAF):c.1632T>C (p.Ile544=)

Gene: BRAF (B-Raf proto-oncogene, serine/threonine kinase; minus strand). Cytogenetic location: 7q34.
Variant type: single nucleotide variant.
Coding change: c.1632T>C on transcript NM_004333.6 (MANE Select); coding-DNA position 1632, T replaced by C.
Protein change: p.Ile544=; no amino-acid change (isoleucine 544 retained).
Molecular consequence: synonymous variant.
Genome position (GRCh38, 1-based): chr7:140,776,974, A>G on the plus strand (T>C on the coding strand, the complement: BRAF is on the minus strand). VCF-style: chr7-140776974-A-G. GRCh37 (hg19) VCF-style: chr7-140476774-A-G.
Other names: c.1632T>C, p.Ile544= (NM_001354609.2, NM_001378468.1, NM_001378474.1); c.1752T>C, p.Ile584= (NM_001374244.1, NM_001374258.1); c.1641T>C, p.Ile547= (NM_001378467.1); c.1566T>C, p.Ile522= (NM_001378469.1); c.1530T>C, p.Ile510= (NM_001378470.1); c.1521T>C, p.Ile507= (NM_001378471.1); c.1476T>C, p.Ile492= (NM_001378472.1, NM_001378473.1); c.1368T>C, p.Ile456= (NM_001378475.1).
Identifiers: ClinVar variation 44808 (VCV000044808.19), dbSNP rs149702741, ClinGen allele CA135088.